The following is an entry in ClinVar:

ClinVar aggregate classification (germline): Uncertain significance. Review status: criteria provided, multiple submitters, no conflicts (2 of 4 stars). 2 submissions from 2 submitters: Uncertain significance (2). Last evaluated 2022-07-12.

Conditions:
Inborn genetic diseases. Identifiers: MedGen C0950123, MeSH D030342.

Allele frequency attached by ClinVar (database versions not stated): gnomAD exomes below 0.00001 and 0.00001; gnomAD 0.00001; ExAC 0.00002; TOPMed 0.00003.
gnomAD v4.1: 9 of 1,614,006 alleles (0.00056%); highest among the groups gnomAD compares: Admixed American, 0.0017%; no homozygotes.

Submissions (2):

Labcorp Genetics (formerly Invitae), Labcorp
Classification: Uncertain significance. Last evaluated: 2022-07-12. Review status: criteria provided, single submitter. Criteria: Invitae Variant Classification Sherloc (09022015). Collection method: clinical testing. Allele origin: germline.
Comment: This sequence change replaces arginine with lysine at codon 393 of the ARMC9 protein (p.Arg393Lys). The arginine residue is highly conserved and there is a small physicochemical difference between arginine and lysine. This variant is present in population databases (rs747791321, gnomAD 0.003%). This variant has not been reported in the literature in individuals affected with ARMC9-related conditions. ClinVar contains an entry for this variant (Variation ID: 1389397). Experimental studies and prediction algorithms are not available or were not evaluated, and the functional significance of this variant is currently unknown. In summary, the available evidence is currently insufficient to determine the role of this variant in disease. Therefore, it has been classified as a Variant of Uncertain Significance.

Ambry Genetics
Classification: Uncertain significance for Inborn genetic diseases. Last evaluated: 2021-04-27. Review status: criteria provided, single submitter. Criteria: Ambry Variant Classification Scheme 2023. Collection method: clinical testing. Allele origin: germline.

NM_001352754.2(ARMC9):c.1178G>A (p.Arg393Lys)

Gene: ARMC9 (armadillo repeat containing 9; plus strand). Cytogenetic location: 2q37.1.
Variant type: single nucleotide variant.
Coding change: c.1178G>A on transcript NM_001352754.2 (MANE Select); coding-DNA position 1178, G replaced by A.
Protein change: p.Arg393Lys; replaces arginine 393 with lysine.
Molecular consequence: missense variant. On other transcripts: non-coding transcript variant (1).
Genome position (GRCh38, 1-based): chr2:231,271,040, G>A. VCF-style: chr2-231271040-G-A. GRCh37 (hg19) VCF-style: chr2-232135753-G-A.
Other names: c.1178G>A, p.Arg393Lys (NM_001271466.4, NM_001291656.2, NM_001352755.2 and 3 more transcripts); c.1079G>A, p.Arg360Lys (NM_001352757.2, NM_001352758.2); c.1178G>A (NM_025139.3); short protein forms R360K, R393K.
Identifiers: ClinVar variation 1389397 (VCV001389397.4), dbSNP rs747791321, ClinGen allele CA2160222.